The following is an entry in ClinVar:

ClinVar aggregate classification (germline): Conflicting classifications of pathogenicity. Review status: criteria provided, conflicting classifications (1 of 4 stars). 3 submissions from 3 submitters: Uncertain significance (2); Likely benign (1). Last evaluated 2023-12-11.

Conditions:
Vitreoretinopathy. Also called: Vitreoretinal degeneration. Identifiers: MedGen C0344290, MONDO:0020248, HP:0007773.

Allele frequency attached by ClinVar (database versions not stated): gnomAD 0.00001; gnomAD exomes 0.00001 and 0.00003; TOPMed 0.00001; ExAC 0.00002.
gnomAD v4.1: 23 of 1,613,838 alleles (0.0014%); highest among the groups gnomAD compares: Middle Eastern, 0.016%; no homozygotes.

Submissions (3):

Labcorp Genetics (formerly Invitae), Labcorp
Classification: Uncertain significance. Last evaluated: 2023-12-11. Review status: criteria provided, single submitter. Criteria: Invitae Variant Classification Sherloc (09022015). Collection method: clinical testing. Allele origin: germline.
Comment: This sequence change replaces threonine, which is neutral and polar, with isoleucine, which is neutral and non-polar, at codon 2632 of the VCAN protein (p.Thr2632Ile). This variant is present in population databases (rs767660495, gnomAD 0.006%). This variant has not been reported in the literature in individuals affected with VCAN-related conditions. ClinVar contains an entry for this variant (Variation ID: 354450). An algorithm developed to predict the effect of missense changes on protein structure and function (PolyPhen-2) suggests that this variant is likely to be tolerated. In summary, the available evidence is currently insufficient to determine the role of this variant in disease. Therefore, it has been classified as a Variant of Uncertain Significance.

Blueprint Genetics
Classification: Uncertain significance. Last evaluated: 2021-11-30. Review status: criteria provided, single submitter. Criteria: ACMG Guidelines, 2015. Collection method: clinical testing. Allele origin: germline.

Illumina Laboratory Services, Illumina
Classification: Likely benign for Vitreoretinopathy. Last evaluated: 2018-01-13. Review status: criteria provided, single submitter. Criteria: ICSL Variant Classification Criteria 13 December 2019. Collection method: clinical testing. Allele origin: germline.
Comment: This variant was observed in the ICSL laboratory as part of a predisposition screen in an ostensibly healthy population. It had not been previously curated by ICSL or reported in the Human Gene Mutation Database (HGMD: prior to June 1st, 2018), and was therefore a candidate for classification through an automated scoring system. Utilizing variant allele frequency, disease prevalence and penetrance estimates, and inheritance mode, an automated score was calculated to assess if this variant is too frequent to cause the disease. Based on the score and internal cut-off values, a variant classified as likely benign is not then subjected to further curation. The score for this variant resulted in a classification of likely benign for this disease.

NM_004385.5(VCAN):c.7895C>T (p.Thr2632Ile)

Genes: VCAN (versican; plus strand), VCAN-AS1 (VCAN antisense RNA 1; minus strand). Cytogenetic location: 5q14.3.
Variant type: single nucleotide variant.
Coding change: c.7895C>T on transcript NM_004385.5 (MANE Select); coding-DNA position 7895, C replaced by T.
Protein change: p.Thr2632Ile; replaces threonine 2632 with isoleucine.
Molecular consequence: missense variant. On other transcripts: intron variant (2).
Genome position (GRCh38, 1-based): chr5:83,540,898, C>T. VCF-style: chr5-83540898-C-T. GRCh37 (hg19) VCF-style: chr5-82836717-C-T.
Other names: c.4934C>T, p.Thr1645Ile (NM_001164097.2); c.4004-4639C>T (NM_001164098.2); c.1043-4639C>T (NM_001126336.3); short protein forms T2632I, T1645I.
Identifiers: ClinVar variation 354450 (VCV000354450.11), dbSNP rs767660495, ClinGen allele CA3333709.
Genomic context (GRCh38, chr5:83,540,898, plus strand): 5'-GTAATGATGACAGCACTCAAGTTCAAGAGATCTATGAGGCAGCTGTCAACCTTTCTTTAA[C>T]TGAGGAAACATTTGAGGGCTCTGCTGATGTTCTGGCTAGCTACACTCAGGCAACACATGA-3'
Protein context (NP_004376.2, residues 2622-2642): IYEAAVNLSL[Thr2632Ile]EETFEGSADV